The following is an entry in ClinVar:

ClinVar aggregate classification (germline): Uncertain significance (1 of 4 stars; one submission).

Conditions:
Adenylosuccinate lyase deficiency (ADSLD). Also called: ADSL DEFICIENCY. Identifiers: Orphanet 46, MedGen C0268126, MONDO:0007068, OMIM 103050.

Allele frequency attached by ClinVar (database versions not stated): gnomAD 0.00001; TOPMed 0.00001.

Submission:

Labcorp Genetics (formerly Invitae), Labcorp
Classification: Uncertain significance for Adenylosuccinate lyase deficiency. Last evaluated: 2025-03-03. Review status: criteria provided, single submitter. Criteria: Invitae Variant Classification Sherloc (09022015). Collection method: clinical testing. Allele origin: germline.
Comment: This variant occurs in a non-coding region of the ADSL gene. It does not change the encoded amino acid sequence of the ADSL protein. This variant is not present in population databases (gnomAD no frequency). This variant has not been reported in the literature in individuals affected with ADSL-related conditions. Experimental studies and prediction algorithms are not available or were not evaluated, and the functional significance of this variant is currently unknown. In summary, the available evidence is currently insufficient to determine the role of this variant in disease. Therefore, it has been classified as a Variant of Uncertain Significance.

NC_000022.11:g.40345592G>C

Gene: ADSL (adenylosuccinate lyase; plus strand). Cytogenetic location: 22q13.1.
Variant type: single nucleotide variant.
Genome position: GRCh38 VCF-style: chr22-40345592-G-C. GRCh37 (hg19) VCF-style: chr22-40741596-G-C.
Identifiers: ClinVar variation 2109188 (VCV002109188.3), dbSNP rs950048889, ClinGen allele CA324446268.
Genomic context (GRCh38, chr22:40,345,592, plus strand): 5'-CCCCACTGGCACTCCAGACTGAACAACATAGCAAGACCCTGTCAAAAAAAAAAAAAAGGG[G>C]GGGGGCCACTTGAGTGTTTCTATTTCTATTTATTTATTTAATTCTTTTATTTTTTGGAGA-3'